The following is an entry in ClinVar:

NM_001792.5(CDH2):c.2084T>A (p.Ile695Asn)

Gene: CDH2 (cadherin 2; minus strand). Cytogenetic location: 18q12.1.
Variant type: single nucleotide variant.
Coding change: c.2084T>A on transcript NM_001792.5 (MANE Select); coding-DNA position 2084, T replaced by A.
Protein change: p.Ile695Asn; replaces isoleucine 695 with asparagine.
Molecular consequence: missense variant.
Genome position (GRCh38, 1-based): chr18:27,985,125, A>T on the plus strand (T>A on the coding strand, the complement: CDH2 is on the minus strand). VCF-style: chr18-27985125-A-T. GRCh37 (hg19) VCF-style: chr18-25565089-A-T.
Other names: c.1991T>A, p.Ile664Asn (NM_001308176.2); short protein forms I664N, I695N.
Identifiers: ClinVar variation 3906838 (VCV003906838.1).
Genomic context (GRCh38, chr18:27,985,125, plus strand): 5'-ATCCTGTCCACATCTGTGCAGTCCCCGTTGGAGTCACACTGGCAAACCTTCACACGCAGG[A>T]TGGAAATATTTGATTTGGGAGGATTACCCGAATCTGTGATTATGATGGGAACTTCATAGA-3'
Protein context (NP_001783.2, residues 685-705): SGNPPKSNIS[Ile695Asn]LRVKVCQCDS

ClinVar aggregate classification (germline): Uncertain significance (1 of 4 stars; one submission).

Submission:

GeneDx
Classification: Uncertain significance. Last evaluated: 2024-12-19. Review status: criteria provided, single submitter. Criteria: GeneDx Variant Classification Process June 2021. Collection method: clinical testing. Allele origin: germline. Affected: yes.
Comment: Not observed at significant frequency in large population cohorts (gnomAD); In silico analysis indicates that this missense variant does not alter protein structure/function; Has not been previously published as pathogenic or benign to our knowledge